The following is an entry in ClinVar:

NM_015338.6(ASXL1):c.4567T>A (p.Cys1523Ser)

Gene: ASXL1 (ASXL transcriptional regulator 1; plus strand). Cytogenetic location: 20q11.21.
Variant type: single nucleotide variant.
Coding change: c.4567T>A on transcript NM_015338.6 (MANE Select); coding-DNA position 4567, T replaced by A.
Protein change: p.Cys1523Ser; replaces cysteine 1523 with serine.
Molecular consequence: missense variant.
Genome position (GRCh38, 1-based): chr20:32,437,279, T>A. VCF-style: chr20-32437279-T-A. GRCh37 (hg19) VCF-style: chr20-31025082-T-A.
Other names: c.4384T>A, p.Cys1462Ser (NM_001363734.1); short protein forms C1462S, C1523S.
Identifiers: ClinVar variation 2825067 (VCV002825067.3), dbSNP rs2515595253, ClinGen allele CA408565453.

ClinVar aggregate classification (germline): Uncertain significance (1 of 4 stars; one submission).

Allele frequency attached by ClinVar (database versions not stated): gnomAD exomes below 0.00001.
gnomAD v4.1: 1 of 1,614,190 alleles (0.000062%); highest among the groups gnomAD compares: Non-Finnish European, 0.000085%; no homozygotes.

Submission:

Labcorp Genetics (formerly Invitae), Labcorp
Classification: Uncertain significance. Last evaluated: 2023-08-04. Review status: criteria provided, single submitter. Criteria: Invitae Variant Classification Sherloc (09022015). Collection method: clinical testing. Allele origin: germline.
Comment: An algorithm developed to predict the effect of missense changes on protein structure and function (PolyPhen-2) suggests that this variant is likely to be disruptive. In summary, the available evidence is currently insufficient to determine the role of this variant in disease. Therefore, it has been classified as a Variant of Uncertain Significance. This variant has not been reported in the literature in individuals affected with ASXL1-related conditions. This variant is not present in population databases (gnomAD no frequency). This sequence change replaces cysteine, which is neutral and slightly polar, with serine, which is neutral and polar, at codon 1523 of the ASXL1 protein (p.Cys1523Ser).